The following is an entry in ClinVar:

ClinVar aggregate classification (germline): Uncertain significance (0 of 4 stars; one submission).

Conditions:
ALPI-related disorder. Also called: ALPI-related condition.

gnomAD v4.1: 26 of 1,542,148 alleles (0.0017%); highest among the groups gnomAD compares: Non-Finnish European, 0.00026%; no homozygotes.

Submission:

PreventionGenetics, part of Exact Sciences
Classification: Uncertain significance for ALPI-related condition. Last evaluated: 2024-03-27. Review status: no assertion criteria provided. Collection method: clinical testing. Allele origin: germline.
Comment: The ALPI c.1528G>T variant is predicted to result in the amino acid substitution p.Ala510Ser. To our knowledge, this variant has not been reported in the literature. This variant is reported in 0.074% of alleles in individuals of Ashkenazi Jewish descent in gnomAD. This variant could be benign. At this time, the clinical significance of this variant is uncertain due to the absence of conclusive functional and genetic evidence.

NM_001631.5(ALPI):c.1528G>T (p.Ala510Ser)

Gene: ALPI (alkaline phosphatase, intestinal; plus strand). Cytogenetic location: 2q37.1.
Variant type: single nucleotide variant.
Coding change: c.1528G>T on transcript NM_001631.5 (MANE Select); coding-DNA position 1528, G replaced by T.
Protein change: p.Ala510Ser; replaces alanine 510 with serine.
Molecular consequence: missense variant.
Genome position (GRCh38, 1-based): chr2:232,459,087, G>T. VCF-style: chr2-232459087-G-T. GRCh37 (hg19) VCF-style: chr2-233323797-G-T.
Other names: short protein forms A510S.
Identifiers: ClinVar variation 3350503 (VCV003350503.1).
Genomic context (GRCh38, chr2:232,459,087, plus strand): 5'-TACACGGCCTGCGACCTGGCGCCTCCCGCCTGCACCACCGACGCCGCGCACCCAGTTGCC[G>T]CGTCGCTGCCACTGCTGGCCGGGACCCTGCTGCTGCTGGGGGCGTCCGCTGCTCCCTGAG-3'
Protein context (NP_001622.2, residues 500-520): CTTDAAHPVA[Ala510Ser]SLPLLAGTLL